The following is an entry in ClinVar:

NM_005219.5(DIAPH1):c.2807G>A (p.Arg936His)

Gene: DIAPH1 (diaphanous related formin 1; minus strand). Cytogenetic location: 5q31.3.
Variant type: single nucleotide variant.
Coding change: c.2807G>A on transcript NM_005219.5 (MANE Select); coding-DNA position 2807, G replaced by A.
Protein change: p.Arg936His; replaces arginine 936 with histidine.
Molecular consequence: missense variant.
Genome position (GRCh38, 1-based): chr5:141,528,913, C>T on the plus strand (G>A on the coding strand, the complement: DIAPH1 is on the minus strand). VCF-style: chr5-141528913-C-T. GRCh37 (hg19) VCF-style: chr5-140908480-C-T.
Other names: c.2780G>A, p.Arg927His (NM_001079812.3); c.2807G>A, p.Arg936His (NM_001314007.2); short protein forms R927H, R936H.
Identifiers: ClinVar variation 2923429 (VCV002923429.3), dbSNP rs765235886, ClinGen allele CA3478944.

ClinVar aggregate classification (germline): Uncertain significance (1 of 4 stars; one submission).

Conditions:
Progressive microcephaly-seizures-cortical blindness-developmental delay syndrome. Also called: Seizures, cortical blindness, and microcephaly syndrome. Identifiers: Orphanet 477814, MedGen C5567650, MONDO:0014714, OMIM 616632.
Autosomal dominant nonsyndromic hearing loss 1. Also called: DEAFNESS, AUTOSOMAL DOMINANT 1, WITH OR WITHOUT THROMBOCYTOPENIA; KONIGSMARK SYNDROME. Identifiers: Orphanet 90635, MedGen C1852282, MONDO:0007424, OMIM 124900.

Allele frequency attached by ClinVar (database versions not stated): TOPMed below 0.00001; gnomAD exomes 0.00001; ExAC 0.00002.
gnomAD v4.1: 9 of 1,613,966 alleles (0.00056%); highest among the groups gnomAD compares: African/African-American, 0.0027%; no homozygotes.

Submission:

Labcorp Genetics (formerly Invitae), Labcorp
Classification: Uncertain significance for Progressive microcephaly-seizures-cortical blindness-developmental delay syndrome; Autosomal dominant nonsyndromic hearing loss 1. Last evaluated: 2022-11-16. Review status: criteria provided, single submitter. Criteria: Invitae Variant Classification Sherloc (09022015). Collection method: clinical testing. Allele origin: germline.
Comment: Algorithms developed to predict the effect of sequence changes on RNA splicing suggest that this variant may create or strengthen a splice site. In summary, the available evidence is currently insufficient to determine the role of this variant in disease. Therefore, it has been classified as a Variant of Uncertain Significance. Algorithms developed to predict the effect of missense changes on protein structure and function are either unavailable or do not agree on the potential impact of this missense change (SIFT: "Deleterious"; PolyPhen-2: "Probably Damaging"; Align-GVGD: "Class C0"). This variant has not been reported in the literature in individuals affected with DIAPH1-related conditions. This variant is present in population databases (rs765235886, gnomAD 0.003%). This sequence change replaces arginine, which is basic and polar, with histidine, which is basic and polar, at codon 936 of the DIAPH1 protein (p.Arg936His).